The following is an entry in ClinVar:

ClinVar aggregate classification (germline): Uncertain significance (1 of 4 stars; one submission).

Conditions:
Nephronophthisis 18 (NPHP18). Identifiers: Orphanet 655, MedGen C3890591, MONDO:0014374, OMIM 615862.

Submission:

Labcorp Genetics (formerly Invitae), Labcorp
Classification: Uncertain significance for Nephronophthisis 18. Last evaluated: 2021-08-25. Review status: criteria provided, single submitter. Criteria: Invitae Variant Classification Sherloc (09022015). Collection method: clinical testing. Allele origin: germline.
Comment: In summary, the available evidence is currently insufficient to determine the role of this variant in disease. Therefore, it has been classified as a Variant of Uncertain Significance. Algorithms developed to predict the effect of missense changes on protein structure and function are either unavailable or do not agree on the potential impact of this missense change (SIFT: "Not Available"; PolyPhen-2: "Probably Damaging"; Align-GVGD: "Not Available"). This variant has not been reported in the literature in individuals affected with CEP83-related conditions. This variant is not present in population databases (ExAC no frequency). This sequence change replaces lysine with asparagine at codon 83 of the CEP83 protein (p.Lys83Asn). The lysine residue is highly conserved and there is a moderate physicochemical difference between lysine and asparagine.

NM_016122.3(CEP83):c.249A>T (p.Lys83Asn)

Gene: CEP83 (centrosomal protein 83; minus strand). Cytogenetic location: 12q22.
Variant type: single nucleotide variant.
Coding change: c.249A>T on transcript NM_016122.3 (MANE Select); coding-DNA position 249, A replaced by T.
Protein change: p.Lys83Asn; replaces lysine 83 with asparagine.
Molecular consequence: missense variant. On other transcripts: 5 prime UTR variant (6), non-coding transcript variant (3).
Genome position (GRCh38, 1-based): chr12:94,411,772, T>A on the plus strand (A>T on the coding strand, the complement: CEP83 is on the minus strand). VCF-style: chr12-94411772-T-A. GRCh37 (hg19) VCF-style: chr12-94805548-T-A.
Other names: c.249A>T, p.Lys83Asn (NM_001042399.2, NM_001346457.2, NM_001346460.2 and 4 more transcripts); c.-64A>T (NM_001346458.2, NM_001346459.2, NM_001346462.2 and 3 more transcripts); short protein forms K83N.
Identifiers: ClinVar variation 1366683 (VCV001366683.6), dbSNP rs2137783837, ClinGen allele CA386144023.